The following is an entry in ClinVar:

NM_001384474.1(LOXHD1):c.5169C>T (p.Tyr1723=)

Gene: LOXHD1 (lipoxygenase homology PLAT domains 1; minus strand). Cytogenetic location: 18q21.1.
Variant type: single nucleotide variant.
Coding change: c.5169C>T on transcript NM_001384474.1 (MANE Select); coding-DNA position 5169, C replaced by T.
Protein change: p.Tyr1723=; no amino-acid change (tyrosine 1723 retained).
Molecular consequence: synonymous variant. On other transcripts: intron variant (1).
Genome position (GRCh38, 1-based): chr18:46,521,199, G>A on the plus strand (C>T on the coding strand, the complement: LOXHD1 is on the minus strand). VCF-style: chr18-46521199-G-A. GRCh37 (hg19) VCF-style: chr18-44101162-G-A.
Other names: c.1836C>T, p.Tyr612= (NM_001145472.3); c.1548C>T, p.Tyr516= (NM_001308013.2); c.5085+902C>T (NM_144612.7).
Identifiers: ClinVar variation 163900 (VCV000163900.17), dbSNP rs114736976, ClinGen allele CA176619.

ClinVar aggregate classification (germline): Benign/Likely benign. Review status: criteria provided, multiple submitters, no conflicts (2 of 4 stars). 5 submissions from 5 submitters: Benign (1); Likely benign (4). Last evaluated 2024-11-14.

Allele frequency attached by ClinVar (database versions not stated): 1000 Genomes Project 30x 0.00234; 1000 Genomes Project 0.00240; gnomAD exomes 0.00016 and 0.00042; ExAC 0.00061; ESP Exome Variant Server 0.00066; gnomAD 0.00172 and 0.00178; TOPMed 0.00203.
gnomAD v4.1: 497 of 1,551,746 alleles (0.032%); highest among the groups gnomAD compares: African/African-American, 0.62%; no homozygotes.

Submissions (5):

Blueprint Genetics
Classification: Likely benign. Last evaluated: 2024-11-14. Review status: criteria provided, single submitter. Criteria: ACMG Guidelines, 2015. Collection method: clinical testing. Allele origin: germline.

Labcorp Genetics (formerly Invitae), Labcorp
Classification: Benign. Last evaluated: 2020-07-20. Review status: criteria provided, single submitter. Criteria: Invitae Variant Classification Sherloc (09022015). Collection method: clinical testing. Allele origin: germline.

Eurofins Ntd Llc (ga)
Classification: Likely benign. Last evaluated: 2017-07-28. Review status: criteria provided, single submitter. Criteria: EGL Classification Definitions 2015. Collection method: clinical testing. Allele origin: germline. Observed: 1 variant allele, 1 heterozygote.

Laboratory for Molecular Medicine, Mass General Brigham Personalized Medicine
Classification: Likely benign. Last evaluated: 2013-07-28. Review status: criteria provided, single submitter. Criteria: LMM Criteria. Collection method: clinical testing. Allele origin: germline. Observed: 1 variant allele.
Comment: Tyr612Tyr in Exon 32 LOXHD1: This variant is not expected to have clinical signi ficance because it does not alter an amino acid residue, is not located within t he splice consensus sequence, and has been identified in 1.2% (6/490) of African chromosomes by the 1000 Genomes Project and 0.2% (3/1384) of African American c hromosomes by the NHLBI Exome sequencing project (VS/; dbSNP rs114736976).

Breakthrough Genomics
Classification: Likely benign. Review status: criteria provided, single submitter. Criteria: ACMG Guidelines, 2015. Collection method: not provided. Allele origin: germline. Inheritance: Autosomal recessive inheritance. Affected: yes.